The following is an entry in ClinVar:

NM_000444.6(PHEX):c.1531A>T (p.Lys511Ter)

Gene: PHEX (phosphate regulating endopeptidase X-linked; plus strand). Cytogenetic location: Xp22.11.
Variant type: single nucleotide variant.
Coding change: c.1531A>T on transcript NM_000444.6 (MANE Select); coding-DNA position 1531, A replaced by T.
Protein change: p.Lys511Ter; replaces lysine 511 with a stop codon.
Molecular consequence: nonsense.
Genome position (GRCh38, 1-based): chrX:22,178,321, A>T. VCF-style: chrX-22178321-A-T. GRCh37 (hg19) VCF-style: chrX-22196438-A-T.
Other names: c.1531A>T, p.Lys511Ter (NM_001282754.2); short protein forms K511*.
Identifiers: ClinVar variation 1072296 (VCV001072296.7), dbSNP rs753522380, ClinGen allele CA412574881.

ClinVar aggregate classification (germline): Pathogenic (1 of 4 stars; one submission).

Submission:

Labcorp Genetics (formerly Invitae), Labcorp
Classification: Pathogenic. Last evaluated: 2020-01-21. Review status: criteria provided, single submitter. Criteria: Invitae Variant Classification Sherloc (09022015). Collection method: clinical testing. Allele origin: germline.
Comment: For these reasons, this variant has been classified as Pathogenic. Loss-of-function variants in PHEX are known to be pathogenic (PMID: 9097956, 9106524, 19219621). This variant has not been reported in the literature in individuals with PHEX-related conditions. This variant is not present in population databases (ExAC no frequency). This sequence change creates a premature translational stop signal (p.Lys511*) in the PHEX gene. It is expected to result in an absent or disrupted protein product.

Literature cited by the submitters: PubMed 9097956; PubMed 9106524; PubMed 19219621.